The following is an entry in ClinVar:

ClinVar aggregate classification (germline): Conflicting classifications of pathogenicity. Review status: criteria provided, conflicting classifications (1 of 4 stars). 4 submissions from 4 submitters: Uncertain significance (3); Likely benign (1). Last evaluated 2026-02-19.

Conditions:
KIF1A-related disorder. Also called: KIF1A-related disorders; KIF1A-related condition.
Inborn genetic diseases. Identifiers: MedGen C0950123, MeSH D030342.

Allele frequency attached by ClinVar (database versions not stated): TOPMed 0.00003; gnomAD exomes 0.00004; gnomAD 0.00006; ExAC 0.00012.
gnomAD v4.1: 63 of 1,550,370 alleles (0.0041%); highest among the groups gnomAD compares: Non-Finnish European, 0.00087%; no homozygotes.

Submissions (4):

GeneDx
Classification: Uncertain significance. Last evaluated: 2026-02-19. Review status: criteria provided, single submitter. Criteria: GeneDx Variant Classification Process June 2021. Collection method: clinical testing. Allele origin: germline.
Comment: In silico analysis suggests that this missense variant does not alter protein structure/function; Has not been previously published as pathogenic or benign to our knowledge; Reported using an alternate transcript of the gene

PreventionGenetics, part of Exact Sciences
Classification: Likely benign for KIF1A-related condition. Last evaluated: 2025-01-02. Review status: criteria provided, single submitter. Criteria: ACMG Guidelines, 2015. Collection method: clinical testing. Allele origin: germline.
Comment: This variant is classified as likely benign based on ACMG/AMP sequence variant interpretation guidelines (Richards et al. 2015 PMID: 25741868, with internal and published modifications).

CeGaT Center for Human Genetics Tuebingen
Classification: Uncertain significance. Last evaluated: 2024-07-01. Review status: criteria provided, single submitter. Criteria: CeGaT Center For Human Genetics Tuebingen Variant Classification Criteria Version 2. Collection method: clinical testing. Allele origin: germline. Affected: yes. Observed: 2 variant alleles.
Comment: KIF1A: PM2, PP2

Ambry Genetics
Classification: Uncertain significance for Inborn genetic diseases. Last evaluated: 2021-02-13. Review status: criteria provided, single submitter. Criteria: Ambry Variant Classification Scheme 2023. Collection method: clinical testing. Allele origin: germline.
Comment: The p.P893L variant (also known as c.2678C>T), located in coding exon 26 of the KIF1A gene, results from a C to T substitution at nucleotide position 2678. The proline at codon 893 is replaced by leucine, an amino acid with similar properties. This amino acid position is highly conserved in available vertebrate species. In addition, this alteration is predicted to be tolerated by in silico analysis. Since supporting evidence is limited at this time, the clinical significance of this alteration remains unclear.

NM_001244008.2(KIF1A):c.2678C>T (p.Pro893Leu)

Gene: KIF1A (kinesin family member 1A; minus strand). Cytogenetic location: 2q37.3.
Variant type: single nucleotide variant.
Coding change: c.2678C>T on transcript NM_001244008.2 (MANE Select); coding-DNA position 2678, C replaced by T.
Protein change: p.Pro893Leu; replaces proline 893 with leucine.
Molecular consequence: missense variant. On other transcripts: intron variant (18).
Genome position (GRCh38, 1-based): chr2:240,757,499, G>A on the plus strand (C>T on the coding strand, the complement: KIF1A is on the minus strand). VCF-style: chr2-240757499-G-A. GRCh37 (hg19) VCF-style: chr2-241696916-G-A.
Other names: c.2753C>T, p.Pro918Leu (NM_001379631.1); c.2627C>T, p.Pro876Leu (NM_001379632.1); c.2651C>T, p.Pro884Leu (NM_001379633.1, NM_001379642.1, NM_001379645.1); c.2555+861C>T (NM_001379653.1, NM_001379650.1, NM_001379640.1 and 6 more transcripts); c.2657+861C>T (NM_001379635.1, NM_001330290.2, NM_001379646.1 and 1 more transcripts); c.2630+861C>T (NM_001379637.1, NM_001379648.1); c.2582+861C>T (NM_001320705.2, NM_001379638.1, NM_001330289.2); short protein forms P884L, P876L, P918L, P893L.
Identifiers: ClinVar variation 1794627 (VCV001794627.28), dbSNP rs748618074, ClinGen allele CA2208042.